The following is an entry in ClinVar:

ClinVar aggregate classification (germline): Uncertain significance (1 of 4 stars; one submission).

Conditions:
Kabuki syndrome. Also called: NIIKAWA-KUROKI SYNDROME; Kabuki make-up syndrome. Identifiers: Orphanet 2322, MedGen C0796004, MONDO:0016512.

Submission:

Labcorp Genetics (formerly Invitae), Labcorp
Classification: Uncertain significance for Kabuki syndrome. Last evaluated: 2025-02-11. Review status: criteria provided, single submitter. Criteria: Invitae Variant Classification Sherloc (09022015). Collection method: clinical testing. Allele origin: germline.
Comment: This variant, c.1317_1325del, results in the deletion of 3 amino acid(s) of the KMT2D protein (p.Leu440_Pro442del), but otherwise preserves the integrity of the reading frame. This variant is present in population databases (rs765230432, gnomAD 0.02%). This variant has not been reported in the literature in individuals affected with KMT2D-related conditions. Experimental studies and prediction algorithms are not available or were not evaluated, and the functional significance of this variant is currently unknown. In summary, the available evidence is currently insufficient to determine the role of this variant in disease. Therefore, it has been classified as a Variant of Uncertain Significance.

NM_003482.4(KMT2D):c.1317_1325del (p.Leu440_Pro442del)

Gene: KMT2D (lysine methyltransferase 2D; minus strand). Cytogenetic location: 12q13.12.
Variant type: Deletion.
Coding change: c.1317_1325del on transcript NM_003482.4 (MANE Select); coding-DNA positions 1317 to 1325, 9 bases deleted (ACTGCTGCC; older notation c.1317_1325delACTGCTGCC).
Protein change: p.Leu440_Pro442del.
Molecular consequence: inframe deletion.
Genome position (GRCh38, 1-based): chr12:49,052,358-49,052,366, GGCAGCAGT deleted on the plus strand (ACTGCTGCC on the coding strand, the reverse complement: KMT2D is on the minus strand); deleting any 9 consecutive bases within chr12:49,052,358-49,052,370 gives the same sequence; the c. name uses the placement nearest the transcript's 3' end. VCF-style (leftmost placement, unchanged base first): chr12-49052357-GGGCAGCAGT-G. GRCh37 (hg19) VCF-style: chr12-49446140-GGGCAGCAGT-G.
Identifiers: ClinVar variation 4752174 (VCV004752174.1).